The following is an entry in ClinVar:

ClinVar aggregate classification (germline): Likely pathogenic (1 of 4 stars; one submission).

Conditions:
Autosomal recessive limb-girdle muscular dystrophy type 2B (LGMDR2). Also called: MUSCULAR DYSTROPHY, LIMB-GIRDLE, TYPE 3; MUSCULAR DYSTROPHY, LIMB-GIRDLE, AUTOSOMAL RECESSIVE 2; Limb-Girdle Muscular Dystrophy Type 2B (LGMD2B); Limb-girdle muscular dystrophy, type 2B. Identifiers: Orphanet 268, MedGen C1850889, MONDO:0009676, OMIM 253601.

Submission:

Natera, Inc.
Classification: Likely pathogenic for Limb-girdle muscular dystrophy type 2B. Last evaluated: 2024-02-22. Review status: criteria provided, single submitter. Criteria: Natera Variant Classification Schema (03/2026). Collection method: clinical testing. Allele origin: germline.
Comment: The c.4522_4523dupCA variant in DYSF is a frameshift variant predicted to shift the reading frame beginning at codon 1508 and leads to a stop codon 35 codons downstream. This variant is expected to result in nonsense mediated decay, truncation, or a dysfunctional protein product. This variant is rare in the general population with a frequency below the threshold expected for the associated phenotype(s). Given the available evidence, this variant is classified as Likely Pathogenic.

NM_001130987.2(DYSF):c.4639_4640dup (p.Gln1547fs)

Gene: DYSF (dysferlin; plus strand). Cytogenetic location: 2p13.2.
Variant type: Microsatellite.
Coding change: c.4639_4640dup on transcript NM_001130987.2 (MANE Select); coding-DNA positions 4639 to 4640, 2 bases duplicated (CA; older notation c.4639_4640dupCA).
Protein change: p.Gln1547fs; shifts the reading frame from glutamine 1547.
Molecular consequence: frameshift variant.
Genome position (GRCh38, 1-based): chr2:71,656,174-71,656,175, CA duplicated; duplicating any 2 consecutive bases within chr2:71,656,169-71,656,175 gives the same sequence; the c. name uses the placement nearest the transcript's 3' end. VCF-style (leftmost placement, unchanged base first): chr2-71656168-G-GAC. GRCh37 (hg19) VCF-style: chr2-71883298-G-GAC.
Other names: c.4525_4526dup, p.Gln1509fs (NM_001130455.2); c.4480_4481dup, p.Gln1494fs (NM_001130976.2); c.4543_4544dup, p.Gln1515fs (NM_001130977.2); c.4585_4586dup, p.Gln1529fs (NM_001130978.2); c.4615_4616dup, p.Gln1539fs (NM_001130979.2); c.4573_4574dup, p.Gln1525fs (NM_001130980.2); c.4636_4637dup, p.Gln1546fs (NM_001130981.2); c.4618_4619dup, p.Gln1540fs (NM_001130982.2); and 5 more; short protein forms Q1494fs, Q1495fs, Q1508fs, Q1509fs, Q1515fs, Q1516fs, Q1525fs, Q1526fs.
Identifiers: ClinVar variation 4815146 (VCV004815146.1).